The following is an entry in ClinVar:

Single allele

Gene: SGCG (sarcoglycan gamma; plus strand). Cytogenetic location: 13q12.12.
Variant type: Deletion.
Identifiers: ClinVar variation 4682442 (VCV004682442.1).

ClinVar aggregate classification (germline): Pathogenic (1 of 4 stars; one submission).

Submission:

Athena Diagnostics
Classification: Pathogenic. Last evaluated: 2025-03-13. Review status: criteria provided, single submitter. Criteria: Athena Diagnostics Criteria. Collection method: clinical testing. Allele origin: unknown.
Comment: This deletion includes all protein coding segments of the SGCG gene and is expected to result in the loss of a functional protein. This variant has been seen with a single recessive pathogenic variant in the same gene in multiple individuals with autosomal recessive limb-girdle muscular dystrophy.

Literature cited by the submitters: PubMed 17897828; PubMed 19056483; PubMed 39755676; PubMed 18285821; PubMed 11801399; PubMed 19592680.